The following is an entry in ClinVar:

ClinVar aggregate classification (germline): Uncertain significance. Review status: criteria provided, multiple submitters, no conflicts (2 of 4 stars). 2 submissions from 2 submitters: Uncertain significance (2). Last evaluated 2023-08-31.

Conditions:
Inborn genetic diseases. Identifiers: MedGen C0950123, MeSH D030342.
Brown-Vialetto-van Laere syndrome 1. Also called: BROWN-VIALETTO-VAN LAERE SYNDROME 1, MILD; BULBAR PALSY, PROGRESSIVE, WITH SENSORINEURAL DEAFNESS; PONTOBULBAR PALSY WITH DEAFNESS. Identifiers: Orphanet 572550, Orphanet 97229, MedGen C0796274, MONDO:0024537, OMIM 211530.

Allele frequency attached by ClinVar (database versions not stated): ExAC 0.00007; TOPMed 0.00002; gnomAD 0.00003 and 0.00002; 1000 Genomes Project 0.00020; 1000 Genomes Project 30x 0.00031; gnomAD exomes 0.00003.
gnomAD v4.1: 19 of 1,586,206 alleles (0.0012%); highest among the groups gnomAD compares: Middle Eastern, 0.017%; no homozygotes.

Submissions (2):

Ambry Genetics
Classification: Uncertain significance for Inborn genetic diseases. Last evaluated: 2023-08-31. Review status: criteria provided, single submitter. Criteria: Ambry Variant Classification Scheme 2023. Collection method: clinical testing. Allele origin: germline.

Labcorp Genetics (formerly Invitae), Labcorp
Classification: Uncertain significance for Brown-Vialetto-van Laere syndrome 1. Last evaluated: 2022-04-12. Review status: criteria provided, single submitter. Criteria: Invitae Variant Classification Sherloc (09022015). Collection method: clinical testing. Allele origin: germline.
Comment: This sequence change replaces arginine, which is basic and polar, with tryptophan, which is neutral and slightly polar, at codon 65 of the SLC52A3 protein (p.Arg65Trp). The frequency data for this variant in the population databases is considered unreliable, as metrics indicate poor data quality at this position in the gnomAD database. This missense change has been observed in individual(s) with Brown-Vialetto-Van Laere syndrome (PMID: 26443808). Algorithms developed to predict the effect of missense changes on protein structure and function (SIFT, PolyPhen-2, Align-GVGD) all suggest that this variant is likely to be tolerated. In summary, the available evidence is currently insufficient to determine the role of this variant in disease. Therefore, it has been classified as a Variant of Uncertain Significance.

Literature cited by the submitters: PubMed 26443808 (cited by Ambry Genetics and Labcorp Genetics (formerly Invitae), Labcorp).

NM_033409.4(SLC52A3):c.193C>T (p.Arg65Trp)

Gene: SLC52A3 (solute carrier family 52 member 3; minus strand). Cytogenetic location: 20p13.
Variant type: single nucleotide variant.
Coding change: c.193C>T on transcript NM_033409.4 (MANE Select); coding-DNA position 193, C replaced by T.
Protein change: p.Arg65Trp; replaces arginine 65 with tryptophan.
Molecular consequence: missense variant.
Genome position (GRCh38, 1-based): chr20:765,582, G>A on the plus strand (C>T on the coding strand, the complement: SLC52A3 is on the minus strand). VCF-style: chr20-765582-G-A. GRCh37 (hg19) VCF-style: chr20-746226-G-A.
Other names: c.193C>T (NM_033409.3); c.193C>T, p.Arg65Trp (NM_001370085.1, NM_001370086.1); short protein forms R65W.
Identifiers: ClinVar variation 1519077 (VCV001519077.4), dbSNP rs537244674, ClinGen allele CA9724821.